The following is an entry in ClinVar:

NM_000222.3(KIT):c.2083G>A (p.Glu695Lys)

Gene: KIT (KIT proto-oncogene, receptor tyrosine kinase; plus strand). Cytogenetic location: 4q12.
Variant type: single nucleotide variant.
Coding change: c.2083G>A on transcript NM_000222.3 (MANE Select); coding-DNA position 2083, G replaced by A.
Protein change: p.Glu695Lys; replaces glutamic acid 695 with lysine.
Molecular consequence: missense variant.
Genome position (GRCh38, 1-based): chr4:54,729,427, G>A. VCF-style: chr4-54729427-G-A. GRCh37 (hg19) VCF-style: chr4-55595593-G-A.
Other names: c.2074G>A, p.Glu692Lys (NM_001385292.1, NM_001385288.1); c.2071G>A, p.Glu691Lys (NM_001093772.2, NM_001385286.1); c.2086G>A, p.Glu696Lys (NM_001385284.1, NM_001385290.1); c.2083G>A, p.Glu695Lys (NM_001385285.1); short protein forms E692K, E695K, E696K, E691K.
Identifiers: ClinVar variation 2777405 (VCV002777405.4), dbSNP rs1277986442, ClinGen allele CA356909669.

ClinVar aggregate classification (germline): Uncertain significance. Review status: criteria provided, multiple submitters, no conflicts (2 of 4 stars). 2 submissions from 2 submitters: Uncertain significance (2). Last evaluated 2025-05-15.

Conditions:
Gastrointestinal stromal tumor. Also called: Gastrointestinal stromal tumor, somatic; Gastrointestinal stroma tumor. Identifiers: Orphanet 44890, MedGen C0238198, MeSH D046152, MONDO:0011719, OMIM 606764, HP:0100723.

gnomAD v4.1: 1 of 1,613,724 alleles (0.000062%); highest among the groups gnomAD compares: Non-Finnish European, 0.000085%; no homozygotes.

Submissions (2):

GeneDx
Classification: Uncertain significance. Last evaluated: 2025-05-15. Review status: criteria provided, single submitter. Criteria: GeneDx Variant Classification Process June 2021. Collection method: clinical testing. Allele origin: germline. Affected: yes.
Comment: Not observed at significant frequency in large population cohorts (gnomAD); In silico analysis suggests that this missense variant does not alter protein structure/function; Has not been previously published as pathogenic or benign germline variant to our knowledge; This variant is associated with the following publications: (PMID: 20861712)

Labcorp Genetics (formerly Invitae), Labcorp
Classification: Uncertain significance for Gastrointestinal stromal tumor. Last evaluated: 2024-10-29. Review status: criteria provided, single submitter. Criteria: Invitae Variant Classification Sherloc (09022015). Collection method: clinical testing. Allele origin: germline.
Comment: This sequence change replaces glutamic acid, which is acidic and polar, with lysine, which is basic and polar, at codon 695 of the KIT protein (p.Glu695Lys). This variant is not present in population databases (gnomAD no frequency). This missense change has been observed in individual(s) with gastrointestinal stromal tumor (PMID: 20861712). An algorithm developed to predict the effect of missense changes on protein structure and function (PolyPhen-2) suggests that this variant is likely to be disruptive. In summary, the available evidence is currently insufficient to determine the role of this variant in disease. Therefore, it has been classified as a Variant of Uncertain Significance.

Literature cited by the submitters: PubMed 20861712 (cited by Labcorp Genetics (formerly Invitae), Labcorp).